The following is an entry in ClinVar:

ClinVar aggregate classification (germline): Conflicting classifications of pathogenicity. Review status: criteria provided, conflicting classifications (1 of 4 stars). 2 submissions from 2 submitters: Uncertain significance (1); Likely benign (1). Last evaluated 2025-09-08.

Conditions:
Inborn genetic diseases. Identifiers: MedGen C0950123, MeSH D030342.

Allele frequency attached by ClinVar (database versions not stated): ExAC 0.00002; gnomAD exomes 0.00002 and 0.00003; TOPMed 0.00002; gnomAD 0.00004.
gnomAD v4.1: 34 of 1,614,006 alleles (0.0021%); highest among the groups gnomAD compares: South Asian, 0.0033%; no homozygotes.

Submissions (2):

Labcorp Genetics (formerly Invitae), Labcorp
Classification: Uncertain significance. Last evaluated: 2025-09-08. Review status: criteria provided, single submitter. Criteria: Invitae Variant Classification Sherloc (09022015). Collection method: clinical testing. Allele origin: germline.
Comment: This sequence change replaces arginine, which is basic and polar, with glutamine, which is neutral and polar, at codon 1129 of the FN1 protein (p.Arg1129Gln). This variant is present in population databases (rs752850439, gnomAD 0.005%). This variant has not been reported in the literature in individuals affected with FN1-related conditions. ClinVar contains an entry for this variant (Variation ID: 1507767). An algorithm developed to predict the effect of missense changes on protein structure and function (PolyPhen-2) suggests that this variant is likely to be disruptive. In summary, the available evidence is currently insufficient to determine the role of this variant in disease. Therefore, it has been classified as a Variant of Uncertain Significance.

Ambry Genetics
Classification: Likely benign for Inborn genetic diseases. Last evaluated: 2025-02-09. Review status: criteria provided, single submitter. Criteria: Ambry Variant Classification Scheme 2023. Collection method: clinical testing. Allele origin: germline.

NM_212482.4(FN1):c.3386G>A (p.Arg1129Gln)

Gene: FN1 (fibronectin 1; minus strand). Cytogenetic location: 2q35.
Variant type: single nucleotide variant.
Coding change: c.3386G>A on transcript NM_212482.4 (MANE Select); coding-DNA position 3386, G replaced by A.
Protein change: p.Arg1129Gln; replaces arginine 1129 with glutamine.
Molecular consequence: missense variant.
Genome position (GRCh38, 1-based): chr2:215,397,811, C>T on the plus strand (G>A on the coding strand, the complement: FN1 is on the minus strand). VCF-style: chr2-215397811-C-T. GRCh37 (hg19) VCF-style: chr2-216262534-C-T.
Other names: c.3386G>A, p.Arg1129Gln (NM_001306129.2, NM_001306130.2, NM_001306131.2 and 13 more transcripts); c.3386G>A (NM_212482.1); short protein forms R1129Q.
Identifiers: ClinVar variation 1507767 (VCV001507767.8), dbSNP rs752850439, ClinGen allele CA2094714.